The following is an entry in ClinVar:

ClinVar aggregate classification (germline): Likely pathogenic (1 of 4 stars; one submission).

Conditions:
Myopathy caused by variation in FKTN. Identifiers: MedGen CN305638, MONDO:0700067.

Submission:

Myriad Genetics, Inc.
Classification: Likely pathogenic for Myopathy caused by variation in FKTN. Last evaluated: 2022-02-19. Review status: criteria provided, single submitter. Criteria: Myriad Autosomal Dominant, Autosomal Recessive and X-Linked Classification Criteria (2023). Collection method: clinical testing. Allele origin: unknown.
Comment: NM_001079802.1(FKTN):c.400G>T(G134*) is expected to be pathogenic in the context of FKTN-related disorders. This variant is predicted to lead to an abnormal or absent protein product due to the creation of a premature termination codon in FKTN, a gene where loss-of-function variants are known to be pathogenic. Please note: this variant was assessed in the context of healthy population screening.

NM_001079802.2(FKTN):c.400G>T (p.Gly134Ter)

Gene: FKTN (fukutin; plus strand). Cytogenetic location: 9q31.2.
Variant type: single nucleotide variant.
Coding change: c.400G>T on transcript NM_001079802.2 (MANE Select); coding-DNA position 400, G replaced by T.
Protein change: p.Gly134Ter; replaces glycine 134 with a stop codon.
Molecular consequence: nonsense. On other transcripts: non-coding transcript variant (2).
Genome position (GRCh38, 1-based): chr9:105,604,245, G>T. VCF-style: chr9-105604245-G-T. GRCh37 (hg19) VCF-style: chr9-108366526-G-T.
Other names: c.400G>T, p.Gly134Ter (NM_001198963.2, NM_001351496.2, NM_001351498.2 and 1 more transcripts); c.331G>T, p.Gly111Ter (NM_001351497.2); c.4G>T, p.Gly2Ter (NM_001351499.2, NM_001351500.2, NM_001351501.2 and 1 more transcripts); short protein forms G111*, G134*, G2*.
Identifiers: ClinVar variation 1724541 (VCV001724541.3), dbSNP rs1554752862, ClinGen allele CA374331923.